The following is an entry in ClinVar:

NM_000038.6(APC):c.5459C>A (p.Ser1820Tyr)

Gene: APC (APC regulator of Wnt signaling pathway; plus strand). Cytogenetic location: 5q22.2.
Variant type: single nucleotide variant.
Coding change: c.5459C>A on transcript NM_000038.6 (MANE Select); coding-DNA position 5459, C replaced by A.
Protein change: p.Ser1820Tyr; replaces serine 1820 with tyrosine.
Molecular consequence: missense variant. On other transcripts: non-coding transcript variant (2).
Genome position (GRCh38, 1-based): chr5:112,841,053, C>A. VCF-style: chr5-112841053-C-A. GRCh37 (hg19) VCF-style: chr5-112176750-C-A.
Other names: c.5210C>A, p.Ser1737Tyr (NM_001407454.1, NM_001407455.1, NM_001407456.1 and 1 more transcripts); c.5156C>A, p.Ser1719Tyr (NM_001407458.1, NM_001407459.1, NM_001407460.1 and 1 more transcripts); c.5072C>A, p.Ser1691Tyr (NM_001407467.1, NM_001407469.1); c.4610C>A, p.Ser1537Tyr (NM_001407470.1, NM_001354906.2); c.4307C>A, p.Ser1436Tyr (NM_001407471.1, NM_001407472.1); c.4979C>A, p.Ser1660Tyr (NM_001354905.2); c.5543C>A, p.Ser1848Tyr (NM_001407446.1); c.5513C>A, p.Ser1838Tyr (NM_001407447.1, NM_001407448.1, NM_001407449.1 and 1 more transcripts); and 11 more; short protein forms S1436Y, S1691Y, S1719Y, S1792Y, S1838Y, S1537Y, S1737Y, S1761Y.
Identifiers: ClinVar variation 4837839 (VCV004837839.1).

ClinVar aggregate classification (germline): Uncertain significance (1 of 4 stars; one submission).

Conditions:
Hereditary cancer-predisposing syndrome. Also called: Neoplastic Syndromes, Hereditary; Tumor predisposition; Hereditary Cancer Syndrome; Hereditary neoplastic syndrome. Identifiers: Orphanet 140162, MedGen C0027672, MeSH D009386, MONDO:0015356.

gnomAD v4.1: 1 of 1,611,850 alleles (0.000062%); highest among the groups gnomAD compares: Non-Finnish European, 0.000085%; no homozygotes.

Submission:

Ambry Genetics
Classification: Uncertain significance for Hereditary cancer-predisposing syndrome. Last evaluated: 2026-02-20. Review status: criteria provided, single submitter. Criteria: Ambry Variant Classification Scheme 2023. Collection method: clinical testing. Allele origin: germline.
Comment: The p.S1820Y variant (also known as c.5459C>A), located in coding exon 15 of the APC gene, results from a C to A substitution at nucleotide position 5459. The serine at codon 1820 is replaced by tyrosine, an amino acid with dissimilar properties. This amino acid position is conserved. In addition, in silico predictors for this gene do not accurately predict pathogenicity. Based on the available evidence, the clinical significance of this variant remains unclear.